The following is an entry in ClinVar:

ClinVar aggregate classification (germline): Uncertain significance. Review status: criteria provided, multiple submitters, no conflicts (2 of 4 stars). 2 submissions from 2 submitters: Uncertain significance (2). Last evaluated 2025-02-20.

Conditions:
Combined immunodeficiency due to STIM1 deficiency. Also called: STIM1 DEFICIENCY; IMMUNODEFICIENCY 10. Identifiers: Orphanet 169090, Orphanet 317430, MedGen C2748557, MONDO:0013008, OMIM 612783.
Stormorken syndrome (STRMK). Also called: THROMBOCYTOPATHY, ASPLENIA, AND MIOSIS. Identifiers: Orphanet 3204, MedGen C1861451, MONDO:0008497, OMIM 185070.
Myopathy with tubular aggregates (TAM). Also called: Tubular Aggregate Myopathy. Identifiers: Orphanet 2593, MedGen C0410207, MONDO:0008051.

Allele frequency attached by ClinVar (database versions not stated): TOPMed 0.00010; ESP Exome Variant Server 0.00008; 1000 Genomes Project 0.00020; 1000 Genomes Project 30x 0.00016.
gnomAD v4.1: 46 of 1,613,428 alleles (0.0029%); highest among the groups gnomAD compares: African/African-American, 0.013%; no homozygotes.

Submissions (2):

Labcorp Genetics (formerly Invitae), Labcorp
Classification: Uncertain significance for Myopathy with tubular aggregates; Combined immunodeficiency due to STIM1 deficiency; Stormorken syndrome. Last evaluated: 2025-02-20. Review status: criteria provided, single submitter. Criteria: Invitae Variant Classification Sherloc (09022015). Collection method: clinical testing. Allele origin: germline.
Comment: This sequence change falls in intron 6 of the STIM1 gene. It does not directly change the encoded amino acid sequence of the STIM1 protein. It affects a nucleotide within the consensus splice site. This variant is present in population databases (rs201348785, gnomAD 0.004%). This variant has not been reported in the literature in individuals affected with STIM1-related conditions. ClinVar contains an entry for this variant (Variation ID: 836980). Variants that disrupt the consensus splice site are a relatively common cause of aberrant splicing (PMID: 17576681, 9536098). Algorithms developed to predict the effect of sequence changes on RNA splicing suggest that this variant may create or strengthen a splice site. In summary, the available evidence is currently insufficient to determine the role of this variant in disease. Therefore, it has been classified as a Variant of Uncertain Significance.

GeneDx
Classification: Uncertain significance. Last evaluated: 2024-06-07. Review status: criteria provided, single submitter. Criteria: GeneDx Variant Classification Process June 2021. Collection method: clinical testing. Allele origin: germline. Affected: yes.
Comment: Not observed at significant frequency in large population cohorts (gnomAD); Has not been previously published as pathogenic or benign to our knowledge; In silico analysis suggests this variant may impact gene splicing. In the absence of RNA/functional studies, the actual effect of this sequence change is unknown.

Literature cited by the submitters: PubMed 17576681 (cited by Labcorp Genetics (formerly Invitae), Labcorp); PubMed 9536098 (cited by Labcorp Genetics (formerly Invitae), Labcorp).

NM_001382567.1(STIM1):c.792-3C>A

Gene: STIM1 (stromal interaction molecule 1; plus strand). Cytogenetic location: 11p15.4.
Variant type: single nucleotide variant.
Coding change: c.792-3C>A on transcript NM_001382567.1 (MANE Select); 3 bases into the intron before coding-DNA position 792, C replaced by A.
Molecular consequence: intron variant.
Genome position (GRCh38, 1-based): chr11:4,074,499, C>A. VCF-style: chr11-4074499-C-A. GRCh37 (hg19) VCF-style: chr11-4095729-C-A.
Other names: c.570-3C>A (NM_001382578.1, NM_001382575.1, NM_001382576.1 and 5 more transcripts); c.303-3C>A (NM_001382580.1, NM_001382581.1); c.792-3C>A (NM_001382568.1, NM_001277962.2, NM_003156.4 and 2 more transcripts); c.564-3C>A (NM_001382570.1); c.657-3C>A (NM_001382569.1); c.312-3C>A (NM_001382571.1).
Identifiers: ClinVar variation 836980 (VCV000836980.9), dbSNP rs201348785, ClinGen allele CA5830331.